The following is an entry in ClinVar:

NM_015338.6(ASXL1):c.3410C>T (p.Pro1137Leu)

Gene: ASXL1 (ASXL transcriptional regulator 1; plus strand). Cytogenetic location: 20q11.21.
Variant type: single nucleotide variant.
Coding change: c.3410C>T on transcript NM_015338.6 (MANE Select); coding-DNA position 3410, C replaced by T.
Protein change: p.Pro1137Leu; replaces proline 1137 with leucine.
Molecular consequence: missense variant.
Genome position (GRCh38, 1-based): chr20:32,436,122, C>T. VCF-style: chr20-32436122-C-T. GRCh37 (hg19) VCF-style: chr20-31023925-C-T.
Other names: c.3227C>T, p.Pro1076Leu (NM_001363734.1); short protein forms P1076L, P1137L.
Identifiers: ClinVar variation 3439125 (VCV003439125.1).

ClinVar aggregate classification (germline): Uncertain significance (1 of 4 stars; one submission).

Conditions:
Inborn genetic diseases. Identifiers: MedGen C0950123, MeSH D030342.

gnomAD v4.1: 5 of 1,614,186 alleles (0.00031%); highest among the groups gnomAD compares: Non-Finnish European, 0.00042%; no homozygotes.

Submission:

Ambry Genetics
Classification: Uncertain significance for Inborn genetic diseases. Last evaluated: 2024-11-30. Review status: criteria provided, single submitter. Criteria: Ambry Variant Classification Scheme 2023. Collection method: clinical testing. Allele origin: germline.
Comment: The p.P1137L variant (also known as c.3410C>T), located in coding exon 13 of the ASXL1 gene, results from a C to T substitution at nucleotide position 3410. The proline at codon 1137 is replaced by leucine, an amino acid with similar properties. This amino acid position is conserved. In addition, this alteration is predicted to be tolerated by in silico analysis. Based on the available evidence, the clinical significance of this variant remains unclear.